The following is an entry in ClinVar:

ClinVar aggregate classification (germline): Uncertain significance. Review status: criteria provided, multiple submitters, no conflicts (2 of 4 stars). 3 submissions from 3 submitters: Uncertain significance (3). Last evaluated 2026-01-17.

Conditions:
Inborn genetic diseases. Identifiers: MedGen C0950123, MeSH D030342.

Allele frequency attached by ClinVar (database versions not stated): gnomAD 0.00001; gnomAD exomes below 0.00001; TOPMed 0.00002.
gnomAD v4.1: 8 of 1,610,572 alleles (0.0005%); highest among the groups gnomAD compares: Admixed American, 0.013%; no homozygotes.

Submissions (3):

Labcorp Genetics (formerly Invitae), Labcorp
Classification: Uncertain significance. Last evaluated: 2026-01-17. Review status: criteria provided, single submitter. Criteria: Invitae Variant Classification Sherloc (09022015). Collection method: clinical testing. Allele origin: germline.
Comment: This sequence change replaces proline, which is neutral and non-polar, with leucine, which is neutral and non-polar, at codon 1150 of the COL4A3 protein (p.Pro1150Leu). This variant is present in population databases (no rsID available, gnomAD 0.01%). This variant has not been reported in the literature in individuals affected with COL4A3-related conditions. ClinVar contains an entry for this variant (Variation ID: 2499430). An algorithm developed to predict the effect of missense changes on protein structure and function outputs the following: PolyPhen-2: "Not Available". The leucine amino acid residue is found in multiple mammalian species, which suggests that this missense change does not adversely affect protein function. In summary, the available evidence is currently insufficient to determine the role of this variant in disease. Therefore, it has been classified as a Variant of Uncertain Significance.

Ambry Genetics
Classification: Uncertain significance for Inborn genetic diseases. Last evaluated: 2024-12-28. Review status: criteria provided, single submitter. Criteria: Ambry Variant Classification Scheme 2023. Collection method: clinical testing. Allele origin: germline.

GeneDx
Classification: Uncertain significance. Last evaluated: 2024-06-21. Review status: criteria provided, single submitter. Criteria: GeneDx Variant Classification Process June 2021. Collection method: clinical testing. Allele origin: germline.
Comment: In silico analysis indicates that this missense variant does not alter protein structure/function; Occurs in the triple helical domain at the X position in the canonical Gly-X-Y repeat; although this variant may have an effect on normal protein folding and function, missense substitution at the X position is not a common mechanism of disease; Has not been previously published as pathogenic or benign to our knowledge

NM_000091.5(COL4A3):c.3449C>T (p.Pro1150Leu)

Genes: COL4A3 (collagen type IV alpha 3 chain; plus strand), MFF-DT (MFF divergent transcript; minus strand). Cytogenetic location: 2q36.3.
Variant type: single nucleotide variant.
Coding change: c.3449C>T on transcript NM_000091.5 (MANE Select); coding-DNA position 3449, C replaced by T.
Protein change: p.Pro1150Leu; replaces proline 1150 with leucine.
Molecular consequence: missense variant.
Genome position (GRCh38, 1-based): chr2:227,294,994, C>T. VCF-style: chr2-227294994-C-T. GRCh37 (hg19) VCF-style: chr2-228159710-C-T.
Other names: short protein forms P1150L.
Identifiers: ClinVar variation 2499430 (VCV002499430.4), dbSNP rs1444179511, ClinGen allele CA350858772.
Genomic context (GRCh38, chr2:227,294,994, plus strand): 5'-GGGTTTTTGGGTTTTTTTTTTTTTTTTCAGGTCTTCCAGGATTTCCAGGATCTCCTGGAC[C>T]AATGGGTATAAGAGGTGACCAAGGACGTGATGGAATTCCTGGTCCAGCCGGAGAAAAGGG-3'
Protein context (NP_000082.2, residues 1140-1160): GLPGFPGSPG[Pro1150Leu]MGIRGDQGRD